The following is an entry in ClinVar:

NM_006493.4(CLN5):c.793G>T (p.Glu265Ter)

Gene: CLN5 (CLN5 lysosomal BMP synthase; plus strand). Cytogenetic location: 13q22.3.
Variant type: single nucleotide variant.
Coding change: c.793G>T on transcript NM_006493.4 (MANE Select); coding-DNA position 793, G replaced by T.
Protein change: p.Glu265Ter; replaces glutamic acid 265 with a stop codon.
Molecular consequence: nonsense. On other transcripts: 3 prime UTR variant (1).
Genome position (GRCh38, 1-based): chr13:77,000,685, G>T. VCF-style: chr13-77000685-G-T. GRCh37 (hg19) VCF-style: chr13-77574820-G-T.
Other names: c.*242G>T (NM_001366624.2); c.940G>T (LRG_692t1); short protein forms E265*.
Identifiers: ClinVar variation 371570 (VCV000371570.9), dbSNP rs764495616, ClinGen allele CA16041688.

ClinVar aggregate classification (germline): Pathogenic/Likely pathogenic. Review status: criteria provided, multiple submitters, no conflicts (2 of 4 stars). 3 submissions from 3 submitters: Pathogenic (1); Likely pathogenic (1). 1 of the submissions does not count toward it. Last evaluated 2023-10-25.

Conditions:
Neuronal ceroid lipofuscinosis. Also called: Neuronal Ceroid Lipofuscinoses. Identifiers: Orphanet 216, Orphanet 79263, MedGen C0027877, MONDO:0016295. Disease mechanism: loss of function.
Neuronal ceroid lipofuscinosis 5 (CLN5). Also called: Neuronal ceroid lipofuscinosis Finnish variant; NEURONAL CEROID LIPOFUSCINOSIS, LATE INFANTILE, FINNISH VARIANT; CLN5-Related Neuronal Ceroid-Lipofuscinosis; CEROID LIPOFUSCINOSIS, NEURONAL, 5, VARIABLE AGE AT ONSET. Identifiers: Orphanet 168491, Orphanet 228360, MedGen C1850442, MONDO:0009745, OMIM 256731.

Allele frequency attached by ClinVar (database versions not stated): gnomAD exomes below 0.00001.

Submissions (3):

Baylor Genetics
Classification: Likely pathogenic for Neuronal ceroid lipofuscinosis 5. Last evaluated: 2023-10-25. Review status: criteria provided, single submitter. Criteria: ACMG Guidelines, 2015. Collection method: clinical testing. Allele origin: unknown.

Labcorp Genetics (formerly Invitae), Labcorp
Classification: Pathogenic for Neuronal ceroid lipofuscinosis. Last evaluated: 2022-01-26. Review status: criteria provided, single submitter. Criteria: Invitae Variant Classification Sherloc (09022015). Collection method: clinical testing. Allele origin: germline.
Comment: ClinVar contains an entry for this variant (Variation ID: 371570). For these reasons, this variant has been classified as Pathogenic. This variant disrupts a region of the CLN5 protein in which other variant(s) (p.Gly319Phefs*12) have been determined to be pathogenic (Invitae). This suggests that this is a clinically significant region of the protein, and that variants that disrupt it are likely to be disease-causing. This variant has not been reported in the literature in individuals affected with CLN5-related conditions. This variant is not present in population databases (gnomAD no frequency). This sequence change creates a premature translational stop signal (p.Glu314*) in the CLN5 gene. While this is not anticipated to result in nonsense mediated decay, it is expected to disrupt the last 94 amino acid(s) of the CLN5 protein.

Counsyl
Classification: Likely pathogenic for Neuronal ceroid lipofuscinosis 5. Last evaluated: 2016-10-20. Review status: no assertion criteria provided. Collection method: clinical testing. Allele origin: unknown. Not counted in ClinVar's aggregate classification.